The following is an entry in ClinVar:

NM_006389.5(HYOU1):c.679A>T (p.Asn227Tyr)

Gene: HYOU1 (hypoxia up-regulated 1; minus strand). Cytogenetic location: 11q23.3.
Variant type: single nucleotide variant.
Coding change: c.679A>T on transcript NM_006389.5 (MANE Select); coding-DNA position 679, A replaced by T.
Protein change: p.Asn227Tyr; replaces asparagine 227 with tyrosine.
Molecular consequence: missense variant.
Genome position (GRCh38, 1-based): chr11:119,054,236, T>A on the plus strand (A>T on the coding strand, the complement: HYOU1 is on the minus strand). VCF-style: chr11-119054236-T-A. GRCh37 (hg19) VCF-style: chr11-118924948-T-A.
Other names: c.679A>T, p.Asn227Tyr (NM_001130991.3, NM_001411041.1); short protein forms N227Y.
Identifiers: ClinVar variation 1720799 (VCV001720799.5), dbSNP rs1411128581, ClinGen allele CA382947644.

ClinVar aggregate classification (germline): Uncertain significance (1 of 4 stars; one submission).

Allele frequency attached by ClinVar (database versions not stated): gnomAD exomes below 0.00001; gnomAD 0.00001; TOPMed 0.00001.
gnomAD v4.1: 6 of 1,604,002 alleles (0.00037%); highest among the groups gnomAD compares: African/African-American, 0.0013%; no homozygotes.

Submission:

Labcorp Genetics (formerly Invitae), Labcorp
Classification: Uncertain significance. Last evaluated: 2022-10-01. Review status: criteria provided, single submitter. Criteria: Invitae Variant Classification Sherloc (09022015). Collection method: clinical testing. Allele origin: germline.
Comment: This sequence change replaces asparagine, which is neutral and polar, with tyrosine, which is neutral and polar, at codon 227 of the HYOU1 protein (p.Asn227Tyr). In summary, the available evidence is currently insufficient to determine the role of this variant in disease. Therefore, it has been classified as a Variant of Uncertain Significance. Algorithms developed to predict the effect of missense changes on protein structure and function are either unavailable or do not agree on the potential impact of this missense change (SIFT: "Not Available"; PolyPhen-2: "Benign"; Align-GVGD: "Not Available"). This variant has not been reported in the literature in individuals affected with HYOU1-related conditions. This variant is not present in population databases (gnomAD no frequency).